The following is an entry in ClinVar:

ClinVar aggregate classification (germline): Likely benign. Review status: criteria provided, multiple submitters, no conflicts (2 of 4 stars). 3 submissions from 3 submitters: Likely benign (3). Last evaluated 2026-06-22.

Conditions:
Inborn genetic diseases. Identifiers: MedGen C0950123, MeSH D030342.
DEAF1-related disorder.

Allele frequency attached by ClinVar (database versions not stated): ExAC 0.00001; gnomAD exomes 0.00002 and 0.00003; gnomAD 0.00004; TOPMed 0.00005.

Submissions (3):

PreventionGenetics, part of Exact Sciences
Classification: Likely benign for DEAF1-related condition. Last evaluated: 2026-06-22. Review status: criteria provided, single submitter. Criteria: ACMG Guidelines, 2015. Collection method: clinical testing. Allele origin: germline.
Comment: This variant is classified as likely benign based on ACMG/AMP sequence variant interpretation guidelines (Richards et al. 2015 PMID: 25741868, with internal and published modifications).

Labcorp Genetics (formerly Invitae), Labcorp
Classification: Likely benign. Last evaluated: 2025-04-08. Review status: criteria provided, single submitter. Criteria: Invitae Variant Classification Sherloc (09022015). Collection method: clinical testing. Allele origin: germline.

Ambry Genetics
Classification: Likely benign for Inborn genetic diseases. Last evaluated: 2022-06-09. Review status: criteria provided, single submitter. Criteria: Ambry Variant Classification Scheme 2023. Collection method: clinical testing. Allele origin: germline.

NM_021008.4(DEAF1):c.665-4G>A

Gene: DEAF1 (DEAF1 transcription factor; minus strand). Cytogenetic location: 11p15.5.
Variant type: single nucleotide variant.
Coding change: c.665-4G>A on transcript NM_021008.4 (MANE Select); 4 bases into the intron before coding-DNA position 665, G replaced by A.
Molecular consequence: intron variant.
Genome position (GRCh38, 1-based): chr11:687,001, C>T on the plus strand (G>A on the coding strand, the complement: DEAF1 is on the minus strand). VCF-style: chr11-687001-C-T. GRCh37 (hg19) VCF-style: chr11-687001-C-T.
Other names: c.-62-4G>A (NM_001367390.1, NM_001440885.1, NM_001440887.1 and 1 more transcripts); c.664+910G>A (NM_001293634.2); c.665-4G>A (NM_001440884.1, NM_001440883.1, NM_021008.3).
Identifiers: ClinVar variation 1653302 (VCV001653302.10), dbSNP rs779079777, ClinGen allele CA5786450.